The following is an entry in ClinVar:

NM_000426.4(LAMA2):c.7452-3T>C

Gene: LAMA2 (laminin subunit alpha 2; plus strand). Cytogenetic location: 6q22.33.
Variant type: single nucleotide variant.
Coding change: c.7452-3T>C on transcript NM_000426.4 (MANE Select); 3 bases into the intron before coding-DNA position 7452, T replaced by C.
Molecular consequence: intron variant.
Genome position (GRCh38, 1-based): chr6:129,478,690, T>C. VCF-style: chr6-129478690-T-C. GRCh37 (hg19) VCF-style: chr6-129799835-T-C.
Other names: c.7440-3T>C (NM_001079823.2).
Identifiers: ClinVar variation 847392 (VCV000847392.10), dbSNP rs1179386258, ClinGen allele CA570055724.

ClinVar aggregate classification (germline): Uncertain significance. Review status: criteria provided, multiple submitters, no conflicts (2 of 4 stars). 3 submissions from 3 submitters: Uncertain significance (3). Last evaluated 2026-05-08.

Conditions:
LAMA2-related muscular dystrophy (LAMA2-RD). Also called: Laminin alpha 2-related dystrophy. Identifiers: MedGen C5679788, MONDO:0100228.

Allele frequency attached by ClinVar (database versions not stated): gnomAD exomes 0.00001 and below 0.00001.
gnomAD v4.1: 21 of 1,613,466 alleles (0.0013%); highest among the groups gnomAD compares: Non-Finnish European, 0.0018%; no homozygotes.

Submissions (3):

Women's Health and Genetics/Laboratory Corporation of America, LabCorp
Classification: Uncertain significance. Last evaluated: 2026-05-08. Review status: criteria provided, single submitter. Criteria: LabCorp Variant Classification Summary - May 2015. Collection method: clinical testing. Allele origin: germline.
Comment: Variant summary: LAMA2 c.7452-3T>C alters a conserved nucleotide located close to a canonical splice site and therefore could affect mRNA splicing, leading to a significantly altered protein sequence. Consensus agreement among computation tools predict no significant impact on normal splicing. However, these predictions have yet to be confirmed by functional studies. The variant allele was found at a frequency of 4e-06 in 250820 control chromosomes. The available data on variant occurrences in the general population are insufficient to allow any conclusion about variant significance. To our knowledge, no occurrence of c.7452-3T>C in individuals affected with LAMA2-related conditions and no experimental evidence demonstrating its impact on protein function have been reported. ClinVar contains an entry for this variant (Variation ID: 847392). Based on the evidence outlined above, the variant was classified as uncertain significance.

Labcorp Genetics (formerly Invitae), Labcorp
Classification: Uncertain significance for LAMA2-related muscular dystrophy. Last evaluated: 2021-09-07. Review status: criteria provided, single submitter. Criteria: Invitae Variant Classification Sherloc (09022015). Collection method: clinical testing. Allele origin: germline.
Comment: This sequence change falls in intron 53 of the LAMA2 gene. It does not directly change the encoded amino acid sequence of the LAMA2 protein. It affects a nucleotide within the consensus splice site of the intron. This variant is not present in population databases (ExAC no frequency). This variant has not been reported in the literature in individuals affected with LAMA2-related conditions. Variants that disrupt the consensus splice site are a relatively common cause of aberrant splicing (PMID: 17576681, 9536098). Algorithms developed to predict the effect of sequence changes on RNA splicing suggest that this variant is not likely to affect RNA splicing. In summary, the available evidence is currently insufficient to determine the role of this variant in disease. Therefore, it has been classified as a Variant of Uncertain Significance.

Revvity Omics, Revvity
Classification: Uncertain significance. Last evaluated: 2019-10-18. Review status: criteria provided, single submitter. Criteria: ACMG Guidelines, 2015. Collection method: clinical testing. Allele origin: germline.

Literature cited by the submitters: PubMed 17576681 (cited by Labcorp Genetics (formerly Invitae), Labcorp); PubMed 9536098 (cited by Labcorp Genetics (formerly Invitae), Labcorp).